The following is an entry in ClinVar:

NM_001379081.2(FREM1):c.5205-14C>T

Gene: FREM1 (FRAS1 related extracellular matrix 1; minus strand). Cytogenetic location: 9p22.3.
Variant type: single nucleotide variant.
Coding change: c.5205-14C>T on transcript NM_001379081.2 (MANE Select); 14 bases into the intron before coding-DNA position 5205, C replaced by T.
Molecular consequence: intron variant.
Genome position (GRCh38, 1-based): chr9:14,759,915, G>A on the plus strand (C>T on the coding strand, the complement: FREM1 is on the minus strand). VCF-style: chr9-14759915-G-A. GRCh37 (hg19) VCF-style: chr9-14759913-G-A.
Other names: c.5205-14C>T (NM_144966.7); c.813-14C>T (NM_001370061.2, NM_001370058.2, NM_001177704.3).
Identifiers: ClinVar variation 914644 (VCV000914644.10), dbSNP rs77061232, ClinGen allele CA4989851.

ClinVar aggregate classification (germline): Benign/Likely benign. Review status: criteria provided, multiple submitters, no conflicts (2 of 4 stars). 4 submissions from 4 submitters: Benign (1); Likely benign (3). Last evaluated 2025-12-28.

Conditions:
Oculotrichoanal syndrome (MOTA). Also called: MARLES SYNDROME; Manitoba Oculotrichoanal (MOTA) Syndrome. Identifiers: Orphanet 2717, MedGen C1855425, MONDO:0009560, OMIM 248450.

Allele frequency attached by ClinVar (database versions not stated): gnomAD exomes 0.00048; ExAC 0.00057; ESP Exome Variant Server 0.00134; gnomAD 0.00151 and 0.00153; TOPMed 0.00172; 1000 Genomes Project 30x 0.00328; 1000 Genomes Project 0.00359.
gnomAD v4.1: 648 of 1,600,662 alleles (0.04%); highest among the groups gnomAD compares: African/African-American, 0.56%; 3 homozygotes.

Submissions (4):

Labcorp Genetics (formerly Invitae), Labcorp
Classification: Benign. Last evaluated: 2025-12-28. Review status: criteria provided, single submitter. Criteria: Invitae Variant Classification Sherloc (09022015). Collection method: clinical testing. Allele origin: germline.

Blueprint Genetics
Classification: Likely benign. Last evaluated: 2024-10-18. Review status: criteria provided, single submitter. Criteria: ACMG Guidelines, 2015. Collection method: clinical testing. Allele origin: germline.

Illumina Laboratory Services, Illumina
Classification: Likely benign for Oculotrichoanal syndrome. Last evaluated: 2018-01-12. Review status: criteria provided, single submitter. Criteria: ICSL Variant Classification Criteria 13 December 2019. Collection method: clinical testing. Allele origin: germline.
Comment: This variant was observed in the ICSL laboratory as part of a predisposition screen in an ostensibly healthy population. It had not been previously curated by ICSL or reported in the Human Gene Mutation Database (HGMD: prior to June 1st, 2018), and was therefore a candidate for classification through an automated scoring system. Utilizing variant allele frequency, disease prevalence and penetrance estimates, and inheritance mode, an automated score was calculated to assess if this variant is too frequent to cause the disease. Based on the score and internal cut-off values, a variant classified as likely benign is not then subjected to further curation. The score for this variant resulted in a classification of likely benign for this disease.

Breakthrough Genomics
Classification: Likely benign. Review status: criteria provided, single submitter. Criteria: ACMG Guidelines, 2015. Collection method: not provided. Allele origin: germline. Inheritance: Autosomal recessive inheritance. Affected: yes.